The following is an entry in ClinVar:

ClinVar aggregate classification (germline): Pathogenic (1 of 4 stars; one submission).

Submission:

Ambry Genetics
Classification: Pathogenic. Last evaluated: 2026-05-29. Review status: criteria provided, single submitter. Criteria: Ambry Variant Classification Scheme 2023. Collection method: clinical testing. Allele origin: germline.
Comment: The c.917_918delAT variant, located in coding exon 1 of the MLH3 gene, results from a deletion of two nucleotides at nucleotide positions 917 to 918, causing a translational frameshift with a predicted alternate stop codon (p.Y306Cfs*3). This variant is considered to be rare based on population cohorts in the Genome Aggregation Database (gnomAD). This alteration is expected to result in premature protein truncation or nonsense-mediated mRNA decay. As such, this variant is interpreted as a disease-causing mutation.

NM_001040108.2(MLH3):c.917_918del (p.Tyr306fs)

Gene: MLH3 (mutL homolog 3; minus strand). Cytogenetic location: 14q24.3.
Variant type: Microsatellite.
Coding change: c.917_918del on transcript NM_001040108.2 (MANE Select); coding-DNA positions 917 to 918, 2 bases deleted (AT; older notation c.917_918delAT).
Protein change: p.Tyr306fs; shifts the reading frame from tyrosine 306.
Molecular consequence: frameshift variant.
Genome position (GRCh38, 1-based): chr14:75,048,738-75,048,739, AT deleted on the plus strand (AT on the coding strand, the reverse complement: MLH3 is on the minus strand); deleting any 2 consecutive bases within chr14:75,048,738-75,048,743 gives the same sequence; the c. name uses the placement nearest the transcript's 3' end. VCF-style (leftmost placement, unchanged base first): chr14-75048737-CAT-C. GRCh37 (hg19) VCF-style: chr14-75515440-CAT-C.
Other names: c.913_914AT[2], p.Tyr306Cysfs (NM_001040108.1); c.917_918del, p.Tyr306fs (NM_014381.3); c.917_918delAT (NM_001040108.1); short protein forms Y306fs.
Identifiers: ClinVar variation 3232602 (VCV003232602.2), dbSNP rs2503310322, ClinGen allele CA2575721401.